The following is an entry in ClinVar:

NM_000078.3(CETP):c.596A>T (p.Gln199Leu)

Genes: CETP (cholesteryl ester transfer protein; plus strand), LOC130059064 (ATAC-STARR-seq lymphoblastoid active region 10867; plus strand). Cytogenetic location: 16q13.
Variant type: single nucleotide variant.
Coding change: c.596A>T on transcript NM_000078.3 (MANE Select); coding-DNA position 596, A replaced by T.
Protein change: p.Gln199Leu; replaces glutamine 199 with leucine.
Molecular consequence: missense variant.
Genome position (GRCh38, 1-based): chr16:56,971,101, A>T. VCF-style: chr16-56971101-A-T. GRCh37 (hg19) VCF-style: chr16-57005013-A-T.
Other names: c.596A>T, p.Gln199Leu (NM_001286085.2); short protein forms Q199L.
Identifiers: ClinVar variation 3003432 (VCV003003432.3), dbSNP rs2543647023, ClinGen allele CA396000679.

ClinVar aggregate classification (germline): Uncertain significance (1 of 4 stars; one submission).

Allele frequency attached by ClinVar (database versions not stated): gnomAD exomes 0.00002.
gnomAD v4.1: 17 of 1,613,936 alleles (0.0011%); highest among the groups gnomAD compares: Non-Finnish European, 0.0014%; no homozygotes.

Submission:

Labcorp Genetics (formerly Invitae), Labcorp
Classification: Uncertain significance. Last evaluated: 2023-06-17. Review status: criteria provided, single submitter. Criteria: Invitae Variant Classification Sherloc (09022015). Collection method: clinical testing. Allele origin: germline.
Comment: In summary, the available evidence is currently insufficient to determine the role of this variant in disease. Therefore, it has been classified as a Variant of Uncertain Significance. Algorithms developed to predict the effect of sequence changes on RNA splicing suggest that this variant may disrupt the consensus splice site. Algorithms developed to predict the effect of missense changes on protein structure and function output the following: SIFT: "Not Available"; PolyPhen-2: "Possibly Damaging"; Align-GVGD: "Not Available". The leucine amino acid residue is found in multiple mammalian species, which suggests that this missense change does not adversely affect protein function. This variant has not been reported in the literature in individuals affected with CETP-related conditions. This variant is not present in population databases (gnomAD no frequency). This sequence change replaces glutamine, which is neutral and polar, with leucine, which is neutral and non-polar, at codon 199 of the CETP protein (p.Gln199Leu).